The following is an entry in ClinVar:

ClinVar aggregate classification (germline): Uncertain significance (1 of 4 stars; one submission).

Conditions:
Intellectual disability, X-linked, with or without seizures, ARX-related. Also called: Mental retardation, X-linked 52; MENTAL RETARDATION, X-LINKED 29; MENTAL RETARDATION, X-LINKED 32; MENTAL RETARDATION, X-LINKED 33; MENTAL RETARDATION, X-LINKED 38; MENTAL RETARDATION, X-LINKED 43. Identifiers: Orphanet 777, MedGen C0796244, MONDO:0010317, OMIM 300419.
Developmental and epileptic encephalopathy, 1 (DEE1). Also called: X-linked infantile spasms; West's syndrome; Tonic spasms with clustering, arrest of psychomotor development and hypsarrhythmia on EEG; X-Linked Infantile Spasm Syndrome; INFANTILE SPASM SYNDROME, X-LINKED 1; OHTAHARA SYNDROME, X-LINKED. Identifiers: MedGen C3463992, MONDO:0010632, OMIM 308350. Disease mechanism: loss of function.

Allele frequency attached by ClinVar (database versions not stated): gnomAD exomes below 0.00001.
gnomAD v4.1: 4 of 1,203,352 alleles (0.00033%); highest among the groups gnomAD compares: East Asian, 0.012%; no homozygotes.

Submission:

Labcorp Genetics (formerly Invitae), Labcorp
Classification: Uncertain significance for Developmental and epileptic encephalopathy, 1; Intellectual disability, X-linked, with or without seizures, ARX-related. Last evaluated: 2022-06-20. Review status: criteria provided, single submitter. Criteria: Invitae Variant Classification Sherloc (09022015). Collection method: clinical testing. Allele origin: germline.
Comment: In summary, the available evidence is currently insufficient to determine the role of this variant in disease. Therefore, it has been classified as a Variant of Uncertain Significance. Variants that disrupt the consensus splice site are a relatively common cause of aberrant splicing (PMID: 17576681, 9536098). Algorithms developed to predict the effect of sequence changes on RNA splicing suggest that this variant is not likely to affect RNA splicing. This variant has not been reported in the literature in individuals affected with ARX-related conditions. The frequency data for this variant in the population databases is considered unreliable, as metrics indicate poor data quality at this position in the gnomAD database. This sequence change falls in intron 2 of the ARX gene. It does not directly change the encoded amino acid sequence of the ARX protein. It affects a nucleotide within the consensus splice site.

Literature cited by the submitters: PubMed 17576681; PubMed 9536098.

NM_139058.3(ARX):c.1073+6C>T

Gene: ARX (aristaless related homeobox; minus strand). Cytogenetic location: Xp21.3.
Variant type: single nucleotide variant.
Coding change: c.1073+6C>T on transcript NM_139058.3 (MANE Select); 6 bases into the intron after coding-DNA position 1073, C replaced by T.
Molecular consequence: intron variant.
Genome position (GRCh38, 1-based): chrX:25,012,916, G>A on the plus strand (C>T on the coding strand, the complement: ARX is on the minus strand). VCF-style: chrX-25012916-G-A. GRCh37 (hg19) VCF-style: chrX-25031033-G-A.
Identifiers: ClinVar variation 1425833 (VCV001425833.6), dbSNP rs1176939436, ClinGen allele CA641364627.
Genomic context (GRCh38, chrX:25,012,916, plus strand): 5'-GCTGTCCCTCCCTGGGGCCCGCGTGCGCTCTCTGCCGCTGCGACCGCGACCACCCTACGC[G>A]CATACCTGGTGAAGACGTCCGGGTAGTGCGTCTTCTGGAAGGCCCGCTCCAGTTCCTCCA-3'